The following is an entry in ClinVar:

ClinVar aggregate classification (germline): Pathogenic. Review status: criteria provided, multiple submitters, no conflicts (2 of 4 stars). 3 submissions from 3 submitters: Pathogenic (3). Last evaluated 2025-12-22.

Conditions:
Lynch syndrome 4 (LYNCH4). Also called: Colorectal cancer, hereditary nonpolyposis, type 4; Hereditary non-polyposis colorectal cancer, type 4. Identifiers: Orphanet 144, MedGen C1838333, MONDO:0013699, OMIM 614337. Disease mechanism: loss of function.
Hereditary cancer-predisposing syndrome. Also called: Neoplastic Syndromes, Hereditary; Tumor predisposition; Hereditary neoplastic syndrome; Hereditary Cancer Syndrome. Identifiers: Orphanet 140162, MedGen C0027672, MeSH D009386, MONDO:0015356.
Hereditary nonpolyposis colorectal neoplasms. Identifiers: MedGen C0009405, MeSH D003123.

Submissions (3):

Labcorp Genetics (formerly Invitae), Labcorp
Classification: Pathogenic for Hereditary nonpolyposis colorectal neoplasms. Last evaluated: 2025-12-22. Review status: criteria provided, single submitter. Criteria: Invitae Variant Classification Sherloc (09022015). Collection method: clinical testing. Allele origin: germline.
Comment: This sequence change creates a premature translational stop signal (p.Asn644Glufs*3) in the PMS2 gene. It is expected to result in an absent or disrupted protein product. Loss-of-function variants in PMS2 are known to be pathogenic (PMID: 21376568, 24362816). This variant is not present in population databases (gnomAD no frequency). This variant has not been reported in the literature in individuals affected with PMS2-related conditions. ClinVar contains an entry for this variant (Variation ID: 2451621). For these reasons, this variant has been classified as Pathogenic.

Myriad Genetics, Inc.
Classification: Pathogenic for Lynch syndrome 4. Last evaluated: 2023-09-21. Review status: criteria provided, single submitter. Criteria: Myriad Autosomal Dominant, Autosomal Recessive and X-Linked Classification Criteria (2023). Collection method: clinical testing. Allele origin: unknown.
Comment: This variant is considered pathogenic. This variant creates a frameshift predicted to result in premature protein truncation.

Ambry Genetics
Classification: Pathogenic for Hereditary cancer-predisposing syndrome. Last evaluated: 2023-02-08. Review status: criteria provided, single submitter. Criteria: Ambry Variant Classification Scheme 2023. Collection method: clinical testing. Allele origin: germline.
Comment: The c.1930_1937delAATTACAG pathogenic mutation, located in coding exon 11 of the PMS2 gene, results from a deletion of 8 nucleotides at nucleotide positions 1930 to 1937, causing a translational frameshift with a predicted alternate stop codon (p.N644Efs*3). This variant is considered to be rare based on population cohorts in the Genome Aggregation Database (gnomAD). This alteration is expected to result in loss of function by premature protein truncation or nonsense-mediated mRNA decay. As such, this alteration is interpreted as a disease-causing mutation.

Literature cited by the submitters: PubMed 21376568 (cited by Labcorp Genetics (formerly Invitae), Labcorp); PubMed 24362816 (cited by Labcorp Genetics (formerly Invitae), Labcorp).

NM_000535.7(PMS2):c.1930_1937del (p.Asn644fs)

Gene: PMS2 (PMS1 homolog 2, mismatch repair system component; minus strand). Cytogenetic location: 7p22.1.
Variant type: Deletion.
Coding change: c.1930_1937del on transcript NM_000535.7 (MANE Select); coding-DNA positions 1930 to 1937, 8 bases deleted (AATTACAG; older notation c.1930_1937delAATTACAG).
Protein change: p.Asn644fs; shifts the reading frame from asparagine 644.
Molecular consequence: frameshift variant. On other transcripts: non-coding transcript variant (1), intron variant (1).
Genome position (GRCh38, 1-based): chr7:5,986,828-5,986,835, CTGTAATT deleted on the plus strand (AATTACAG on the coding strand, the reverse complement: PMS2 is on the minus strand); deleting any 8 consecutive bases within chr7:5,986,828-5,986,839 gives the same sequence; the c. name uses the placement nearest the transcript's 3' end. VCF-style (leftmost placement, unchanged base first): chr7-5986827-CCTGTAATT-C. GRCh37 (hg19) VCF-style: chr7-6026458-CCTGTAATT-C.
Other names: c.1521_1528delACAGAATT, p.Asn509Glufs (NM_001018040.1); c.1525_1532del, p.Asn509fs (NM_001322003.2, NM_001322004.2, NM_001322005.2 and 16 more transcripts); c.1774_1781del, p.Asn592fs (NM_001322006.2, NM_001406870.1); c.1612_1619del, p.Asn538fs (NM_001322007.2, NM_001322008.2, NM_001406876.1 and 2 more transcripts); c.1369_1376del, p.Asn457fs (NM_001322010.2, NM_001406906.1, NM_001406907.1); c.997_1004del, p.Asn333fs (NM_001322011.2, NM_001322012.2); c.1357_1364del, p.Asn453fs (NM_001322013.2, NM_001406909.1); c.1930_1937del, p.Asn644fs (NM_001322014.2, NM_001406871.1, NM_001406872.1); and 15 more; short protein forms N387fs, N473fs, N532fs, N536fs, N541fs, N578fs, N588fs, N333fs.
Identifiers: ClinVar variation 2451621 (VCV002451621.4), dbSNP rs2535709534, ClinGen allele CA2580076863.